The following is an entry in ClinVar:

NM_198129.4(LAMA3):c.7654C>T (p.Arg2552Ter)

Gene: LAMA3 (laminin subunit alpha 3; plus strand). Cytogenetic location: 18q11.2.
Variant type: single nucleotide variant.
Coding change: c.7654C>T on transcript NM_198129.4 (MANE Select); coding-DNA position 7654, C replaced by T.
Protein change: p.Arg2552Ter; replaces arginine 2552 with a stop codon.
Molecular consequence: nonsense.
Genome position (GRCh38, 1-based): chr18:23,915,298, C>T. VCF-style: chr18-23915298-C-T. GRCh37 (hg19) VCF-style: chr18-21495262-C-T.
Other names: c.2827C>T, p.Arg943Ter (NM_000227.6); c.7486C>T, p.Arg2496Ter (NM_001127717.4); c.2659C>T, p.Arg887Ter (NM_001127718.4); short protein forms R2552*, R943*, R2496*, R887*.
Identifiers: ClinVar variation 496811 (VCV000496811.4), dbSNP rs1181742615, ClinGen allele CA402058100.

ClinVar aggregate classification (germline): Pathogenic. Review status: criteria provided, single submitter (1 of 4 stars). 2 submissions from 2 submitters: Pathogenic (1). 1 of the submissions does not count toward it. Last evaluated 2020-02-26.

Conditions:
Junctional epidermolysis bullosa, non-Herlitz type. Also called: Adult junctional epidermolysis bullosa; EPIDERMOLYSIS BULLOSA, JUNCTIONAL 1A, INTERMEDIATE; EPIDERMOLYSIS BULLOSA JUNCTIONALIS, DISENTIS TYPE; EPIDERMOLYSIS BULLOSA JUNCTIONALIS, NON-HERLITZ TYPE; EPIDERMOLYSIS BULLOSA JUNCTIONALIS, PROGRESSIVE; EPIDERMOLYSIS BULLOSA JUNCTIONALIS, SEVERE NONLETHAL. Identifiers: Orphanet 251393, Orphanet 79402, Orphanet 79405, Orphanet 89840, MedGen C0268374, MONDO:0009180, OMIM 226650.

Allele frequency attached by ClinVar (database versions not stated): gnomAD 0.00001.
gnomAD v4.1: 5 of 1,613,414 alleles (0.00031%); highest among the groups gnomAD compares: African/African-American, 0.0013%; no homozygotes.

Submissions (2):

Baylor Genetics
Classification: Pathogenic for Junctional epidermolysis bullosa, non-Herlitz type. Last evaluated: 2020-02-26. Review status: criteria provided, single submitter. Criteria: ACMG Guidelines, 2015. Collection method: clinical testing. Allele origin: unknown. Affected: yes.
Comment: This variant was determined to be pathogenic according to ACMG Guidelines, 2015 [PMID:25741868].

Biologia e Medicina Molecolare, Sapienza University of Rome
Classification: Pathogenic for Junctional epidermolysis bullosa, non-Herlitz type. Last evaluated: 2017-06-21. Review status: no assertion criteria provided. Collection method: research. Allele origin: inherited. Inheritance: Autosomal recessive inheritance. Affected: yes. Observed: 1 variant allele, 1 homozygote. Not counted in ClinVar's aggregate classification.